The following is an entry in ClinVar:

ClinVar aggregate classification (germline): Likely pathogenic (1 of 4 stars; one submission).

Conditions:
Primary ciliary dyskinesia. Also called: Ciliary dyskinesia. Identifiers: Orphanet 244, MedGen C0008780, MONDO:0016575, HP:0012265.

Submission:

Department of Human Genetics, Hannover Medical School
Classification: Likely pathogenic for Primary Ciliary Dyskinesia. Last evaluated: 2026-04-01. Review status: criteria provided, single submitter. Criteria: ACMG Guidelines, 2015. Collection method: research. Allele origin: germline. Affected: no.
Comment: Classification performed by HerediClassify using the following criteria:['PM2_supporting: Variant occures does not occur as homozygous in gnomAD.', 'PVS1_splicing_very_strong: Transcript ENST00000223642 undergoes NMD.']

NM_001735.3(C5):c.3155-2A>G

Gene: C5 (complement C5; minus strand). Cytogenetic location: 9q33.2.
Variant type: single nucleotide variant.
Coding change: c.3155-2A>G on transcript NM_001735.3 (MANE Select); the canonical splice acceptor site of the intron before coding-DNA position 3155, A replaced by G.
Molecular consequence: splice acceptor variant.
Genome position (GRCh38, 1-based): chr9:120,989,123, T>C on the plus strand (A>G on the coding strand, the complement: C5 is on the minus strand). VCF-style: chr9-120989123-T-C. GRCh37 (hg19) VCF-style: chr9-123751401-T-C.
Other names: c.3173-2A>G (NM_001317163.2).
Identifiers: ClinVar variation 4880052 (VCV004880052.1).
Genomic context (GRCh38, chr9:120,989,123, plus strand): 5'-ACCCTTCCACACACTGTAAGAGTAGTCAGCATTTCTGTAGGACATAATGCTCAACATCCC[T>C]AAGAAGCACAAGAAAAAGAACACGGTGCTTAACAGACCTCCGTTTCTACTCAAAGAACAC-3'